The following is an entry in ClinVar:

ClinVar aggregate classification (germline): Pathogenic. Review status: reviewed by expert panel (3 of 4 stars). 4 submissions from 4 submitters: Pathogenic (1). 3 of the submissions do not count toward it. Last evaluated 2013-09-05.

Conditions:
Lynch syndrome. Identifiers: Orphanet 144, MedGen C4552100, MONDO:0005835. Disease mechanism: loss of function.
Hereditary nonpolyposis colorectal neoplasms. Identifiers: MedGen C0009405, MeSH D003123.
Hereditary cancer-predisposing syndrome. Also called: Tumor predisposition; Hereditary Cancer Syndrome; Hereditary neoplastic syndrome; Neoplastic Syndromes, Hereditary. Identifiers: Orphanet 140162, MedGen C0027672, MeSH D009386, MONDO:0015356.

Submissions (4):

International Society for Gastrointestinal Hereditary Tumours (InSiGHT)
Classification: Pathogenic for Lynch Syndrome. Last evaluated: 2013-09-05. Review status: reviewed by expert panel. Criteria: Guidelines v1.9. Collection method: research. Allele origin: germline.
Comment: Coding sequence variation resulting in a stop codon

Classified with v1.9 guidelines

Department of Clinical Genetics, Copenhagen University Hospital, Rigshospitalet
Classification: Pathogenic for Lynch syndrome. Last evaluated: 2025-02-04. Review status: criteria provided, single submitter. Criteria: ACMG Guidelines, 2015. Collection method: clinical testing. Allele origin: germline. Not counted in ClinVar's aggregate classification.
Comment: PVS1; PM2_SUP; PP4

Labcorp Genetics (formerly Invitae), Labcorp
Classification: Pathogenic for Hereditary nonpolyposis colorectal neoplasms. Last evaluated: 2024-06-30. Review status: criteria provided, single submitter. Criteria: Invitae Variant Classification Sherloc (09022015). Collection method: clinical testing. Allele origin: germline. Not counted in ClinVar's aggregate classification.
Comment: This sequence change creates a premature translational stop signal (p.Tyr214*) in the MSH6 gene. It is expected to result in an absent or disrupted protein product. Loss-of-function variants in MSH6 are known to be pathogenic (PMID: 18269114, 24362816). This variant is not present in population databases (gnomAD no frequency). This premature translational stop signal has been observed in individual(s) with Lynch syndrome (PMID: 18269114). ClinVar contains an entry for this variant (Variation ID: 89546). For these reasons, this variant has been classified as Pathogenic.

Ambry Genetics
Classification: Pathogenic for Hereditary cancer-predisposing syndrome. Last evaluated: 2022-11-23. Review status: criteria provided, single submitter. Criteria: Ambry Variant Classification Scheme 2023. Collection method: clinical testing. Allele origin: germline. Not counted in ClinVar's aggregate classification.
Comment: The p.Y214* pathogenic mutation (also known as c.642C>A), located in coding exon 4 of the MSH6 gene, results from a C to A substitution at nucleotide position 642. This changes the amino acid from a tyrosine to a stop codon within coding exon 4. This variant has been identified in a cohort of Hereditary Non-polyposis Colorectal Cancer (HNPCC) families (Devlin LA et al. Ulster Med J, 2008 Jan;77:25-30). This variant is considered to be rare based on population cohorts in the Genome Aggregation Database (gnomAD). In addition to the clinical data presented in the literature, this alteration is expected to result in loss of function by premature protein truncation or nonsense-mediated mRNA decay. As such, this alteration is interpreted as a disease-causing mutation.

Literature cited by the submitters: PubMed 18269114 (cited by Labcorp Genetics (formerly Invitae), Labcorp and Ambry Genetics); PubMed 24362816 (cited by Labcorp Genetics (formerly Invitae), Labcorp).

NM_000179.3(MSH6):c.642C>A (p.Tyr214Ter)

Gene: MSH6 (mutS homolog 6; plus strand). Cytogenetic location: 2p16.3.
Variant type: single nucleotide variant.
Coding change: c.642C>A on transcript NM_000179.3 (MANE Select); coding-DNA position 642, C replaced by A.
Protein change: p.Tyr214Ter; replaces tyrosine 214 with a stop codon.
Molecular consequence: nonsense. On other transcripts: 5 prime UTR variant (2).
Genome position (GRCh38, 1-based): chr2:47,798,625, C>A. VCF-style: chr2-47798625-C-A. GRCh37 (hg19) VCF-style: chr2-48025764-C-A.
Other names: c.252C>A, p.Tyr84Ter (NM_001281492.2); c.-265C>A (NM_001281493.2, NM_001281494.2); short protein forms Y214*, Y84*.
Identifiers: ClinVar variation 89546 (VCV000089546.14), dbSNP rs1800937, ClinGen allele CA016077.
Genomic context (GRCh38, chr2:47,798,625, plus strand): 5'-TTCCAAATTTTGATTTGTTTTTAAATACTCTTTCCTTGCCTGGCAGGTAGGCACAACTTA[C>A]GTAACAGATAAGAGTGAAGAAGATAATGAAATTGAGAGTGAAGAGGAAGTACAGCCTAAG-3'